The following is an entry in ClinVar:

NM_017617.5(NOTCH1):c.5733C>T (p.Ser1911=)

Gene: NOTCH1 (notch receptor 1; minus strand). Cytogenetic location: 9q34.3.
Variant type: single nucleotide variant.
Coding change: c.5733C>T on transcript NM_017617.5 (MANE Select); coding-DNA position 5733, C replaced by T.
Protein change: p.Ser1911=; no amino-acid change (serine 1911 retained).
Molecular consequence: synonymous variant.
Genome position (GRCh38, 1-based): chr9:136,500,753, G>A on the plus strand (C>T on the coding strand, the complement: NOTCH1 is on the minus strand). VCF-style: chr9-136500753-G-A. GRCh37 (hg19) VCF-style: chr9-139395205-G-A.
Other names: c.5733C>T, p.Ser1911= (LRG_1122t1); c.5733C>T (NM_017617.4).
Identifiers: ClinVar variation 389549 (VCV000389549.16), dbSNP rs61751534, ClinGen allele CA5340137.

ClinVar aggregate classification (germline): Benign/Likely benign. Review status: criteria provided, multiple submitters, no conflicts (2 of 4 stars). 7 submissions from 6 submitters: Benign (1); Likely benign (5). 1 of the submissions does not count toward it. Last evaluated 2025-02-07.

Conditions:
Adams-Oliver syndrome 5 (AOS5). Identifiers: Orphanet 974, MedGen C4014970, MONDO:0014459, OMIM 616028.
Aortic valve disease 1 (AOVD1). Identifiers: MedGen C3887892, MONDO:0024523, OMIM 109730.
NOTCH1-related disorder. Also called: NOTCH1-related condition; NOTCH1-related disorders.
Familial thoracic aortic aneurysm and aortic dissection (TAAD). Also called: Thoracic aortic aneurysms and dissections. Identifiers: Orphanet 91387, MedGen C4707243, MONDO:0019625.

Allele frequency attached by ClinVar (database versions not stated): gnomAD 0.00003; gnomAD exomes 0.00003; ExAC 0.00004; TOPMed 0.00004.

Submissions (7):

Labcorp Genetics (formerly Invitae), Labcorp
Classification: Benign for Adams-Oliver syndrome 5. Last evaluated: 2025-02-07. Review status: criteria provided, single submitter. Criteria: Invitae Variant Classification Sherloc (09022015). Collection method: clinical testing. Allele origin: germline.

Ambry Genetics
Classification: Likely benign for Familial thoracic aortic aneurysm and aortic dissection. Last evaluated: 2022-11-20. Review status: criteria provided, single submitter. Criteria: Ambry Variant Classification Scheme 2023. Collection method: clinical testing. Allele origin: germline.

Genome-Nilou Lab
Classification: Likely benign for Adams-Oliver syndrome 5. Last evaluated: 2022-03-15. Review status: criteria provided, single submitter. Criteria: ACMG Guidelines, 2015. Collection method: clinical testing. Allele origin: germline. Affected: no.

Genome-Nilou Lab
Classification: Likely benign for Aortic valve disease 1. Last evaluated: 2022-03-15. Review status: criteria provided, single submitter. Criteria: ACMG Guidelines, 2015. Collection method: clinical testing. Allele origin: germline. Affected: no.

CHEO Genetics Diagnostic Laboratory, Children's Hospital of Eastern Ontario
Classification: Likely benign for Familial thoracic aortic aneurysm and aortic dissection. Last evaluated: 2019-01-22. Review status: criteria provided, single submitter. Criteria: ACMG Guidelines, 2015. Collection method: clinical testing. Allele origin: germline.

GeneDx
Classification: Likely benign. Last evaluated: 2018-07-05. Review status: criteria provided, single submitter. Criteria: GeneDx Variant Classification Process June 2021. Collection method: clinical testing. Allele origin: germline. Affected: yes.

PreventionGenetics, part of Exact Sciences
Classification: Likely benign for NOTCH1-related condition. Last evaluated: 2022-11-22. Review status: no assertion criteria provided. Collection method: clinical testing. Allele origin: germline. Not counted in ClinVar's aggregate classification.
Comment: This variant is classified as likely benign based on ACMG/AMP sequence variant interpretation guidelines (Richards et al. 2015 PMID: 25741868, with internal and published modifications).